The following is an entry in ClinVar:

NM_002386.3(MC1R):c.-1234C>T

Gene: MC1R (melanocortin 1 receptor; plus strand). Cytogenetic location: 16q24.3.
Variant type: single nucleotide variant.
Coding change: c.-1234C>T on transcript NM_002386.3; 1234 bases upstream of the start codon, C replaced by T.
Genome position (GRCh38, 1-based): chr16:89,918,025, C>T. VCF-style: chr16-89918025-C-T. GRCh37 (hg19) VCF-style: chr16-89984433-C-T.
Identifiers: ClinVar variation 321385 (VCV000321385.7), dbSNP rs530536156, ClinGen allele CA10649328.

ClinVar aggregate classification (germline): Benign (1 of 4 stars; one submission).

Conditions:
Melanoma, cutaneous malignant, susceptibility to, 5. Also called: Cutaneous malignant melanoma 5. Identifiers: Orphanet 618, MedGen C2751295, MONDO:0013133, OMIM 613099.

Allele frequency attached by ClinVar (database versions not stated): 1000 Genomes Project 30x 0.00062; gnomAD 0.00126 and 0.00118; 1000 Genomes Project 0.00060; TOPMed 0.00106; gnomAD exomes 0.00110.

Submission:

Illumina Laboratory Services, Illumina
Classification: Benign for Melanoma, cutaneous malignant, susceptibility to, 5. Last evaluated: 2018-01-12. Review status: criteria provided, single submitter. Criteria: ICSL Variant Classification Criteria 13 December 2019. Collection method: clinical testing. Allele origin: germline.
Comment: This variant was observed in the ICSL laboratory as part of a predisposition screen in an ostensibly healthy population. It had not been previously curated by ICSL or reported in the Human Gene Mutation Database (HGMD: prior to June 1st, 2018), and was therefore a candidate for classification through an automated scoring system. Utilizing variant allele frequency, disease prevalence and penetrance estimates, and inheritance mode, an automated score was calculated to assess if this variant is too frequent to cause the disease. Based on the score and internal cut-off values, a variant classified as benign is not then subjected to further curation. The score for this variant resulted in a classification of benign for this disease.